The following is an entry in ClinVar:

NM_001754.5(RUNX1):c.787C>T (p.Pro263Ser)

Gene: RUNX1 (RUNX family transcription factor 1; minus strand). Cytogenetic location: 21q22.12.
Variant type: single nucleotide variant.
Coding change: c.787C>T on transcript NM_001754.5 (MANE Select); coding-DNA position 787, C replaced by T.
Protein change: p.Pro263Ser; replaces proline 263 with serine.
Molecular consequence: missense variant.
Genome position (GRCh38, 1-based): chr21:34,834,428, G>A on the plus strand (C>T on the coding strand, the complement: RUNX1 is on the minus strand). VCF-style: chr21-34834428-G-A. GRCh37 (hg19) VCF-style: chr21-36206725-G-A.
Other names: NM_001754.4(RUNX1):c.787C>T; p.Pro263Ser; NM_001754.5(RUNX1):c.787C>T; c.706C>T, p.Pro236Ser (NM_001001890.3, NM_001122607.2); short protein forms P263S, P236S.
Identifiers: ClinVar variation 464008 (VCV000464008.21), dbSNP rs370315332, ClinGen allele CA10014358.
Genomic context (GRCh38, chr21:34,834,428, plus strand): 5'-AGGTGCAGGAGAGGCGGGCAGTGGGCTCCATCTGGTACTTACCCTGCATCTGACTCTGAG[G>A]CTGAGGGTTAAAGGCAGTGGAGTGGTTCAGGGAGGCACGAGGGTTGGGCGTGGGGGCTGG-3'
Protein context (NP_001745.2, residues 253-273): LNHSTAFNPQ[Pro263Ser]QSQMQDTRQI

ClinVar aggregate classification (germline): Uncertain significance. Review status: reviewed by expert panel (3 of 4 stars). 9 submissions from 9 submitters: Uncertain significance (1). 8 of the submissions do not count toward it. Last evaluated 2025-05-02.

Conditions:
Inborn genetic diseases. Identifiers: MedGen C0950123, MeSH D030342.
Hereditary thrombocytopenia and hematologic cancer predisposition syndrome. Identifiers: Orphanet 71290, MedGen CN281654, MONDO:0011071.
Hereditary thrombocytopenia and hematological cancer predisposition syndrome associated with RUNX1. Also called: Familial thrombocytopenia with propensity to acute myelogenous leukemia; RUNX1 Familial Platelet Disorder with Associated Myeloid Malignancies; Familial Platelet Disorder with Propensity to Acute Myelogenous Leukemia; PLATELET DISORDER, ASPIRIN-LIKE. Identifiers: Orphanet 71290, MedGen C1832388, MeSH C563324, MONDO:0100083, OMIM 601399.
Acute myeloid leukemia (AML). Also called: Leukemia, acute myeloid, somatic; Leukemia, acute myelogenous, somatic; Acute myeloid leukemia, adult; AML adult; Acute non-lymphocytic leukemia; Acute granulocytic leukemia. Identifiers: Orphanet 519, MedGen C0023467, MeSH D015470, MONDO:0018874, OMIM 601626, HP:0004808. Disease mechanism: Constitutively activated FLT3.

Allele frequency attached by ClinVar (database versions not stated): ExAC 0.00002; gnomAD exomes 0.00002; gnomAD 0.00003 and 0.00004; TOPMed 0.00005; ESP Exome Variant Server 0.00015.

Submissions (9):

ClinGen Myeloid Malignancy Variant Curation Expert Panel
Classification: Uncertain significance for Hereditary thrombocytopenia and hematologic cancer predisposition syndrome. Last evaluated: 2025-05-02. Review status: reviewed by expert panel. Criteria: ClinGen MyeloMalig ACMG Specifications v2. Collection method: curation. Allele origin: germline. Inheritance: Autosomal dominant inheritance.
Comment: NM_001754.5(RUNX1):c.787C>T (p.Pro263Ser) is a missense variant which has a REVEL score of 0.286 and a SpliceAI score ≤ 0.20, meeting the threshold for BP4. It is reported at a frequency of 0.0002620 (4/15268 alleles) in the Admixed American population in gnomAD v2.1.1, which does not meet population-based criteria. Although reported in a patient with chronic myelomonocytic leukemia (PMID: 24764152), germline status is not confirmed and other reports concern acquired variants. In summary, the clinical significance of this variant is uncertain. ACMG/AMP criteria applied, as specified by the Myeloid Malignancy Variant Curation Expert Panel for RUNX1: BP4.

Labcorp Genetics (formerly Invitae), Labcorp
Classification: Uncertain significance for Hereditary thrombocytopenia and hematological cancer predisposition syndrome associated with RUNX1. Last evaluated: 2026-01-06. Review status: criteria provided, single submitter. Criteria: Invitae Variant Classification Sherloc (09022015). Collection method: clinical testing. Allele origin: germline. Not counted in ClinVar's aggregate classification.
Comment: This sequence change replaces proline, which is neutral and non-polar, with serine, which is neutral and polar, at codon 263 of the RUNX1 protein (p.Pro263Ser). This variant is present in population databases (rs370315332, gnomAD 0.004%). This variant has not been reported in the literature in individuals affected with RUNX1-related conditions. ClinVar contains an entry for this variant (Variation ID: 464008). Invitae Evidence Modeling of protein sequence and biophysical properties (such as structural, functional, and spatial information, amino acid conservation, physicochemical variation, residue mobility, and thermodynamic stability) has been performed for this missense variant. However, the output from this modeling did not meet the statistical confidence thresholds required to predict the impact of this variant on RUNX1 protein function. In summary, the available evidence is currently insufficient to determine the role of this variant in disease. Therefore, it has been classified as a Variant of Uncertain Significance.

Revvity Omics, Revvity
Classification: Uncertain significance. Last evaluated: 2025-05-12. Review status: criteria provided, single submitter. Criteria: ACMG Guidelines, 2015. Collection method: clinical testing. Allele origin: germline. Not counted in ClinVar's aggregate classification.

Ambry Genetics
Classification: Uncertain significance for Inborn genetic diseases. Last evaluated: 2024-12-20. Review status: criteria provided, single submitter. Criteria: Ambry Variant Classification Scheme 2023. Collection method: clinical testing. Allele origin: germline. Not counted in ClinVar's aggregate classification.
Comment: The p.P263S variant (also known as c.787C>T), located in coding exon 6 of the RUNX1 gene, results from a C to T substitution at nucleotide position 787. The proline at codon 263 is replaced by serine, an amino acid with similar properties. This alteration was identified in an individual diagnosed with Myelodysplastic syndrome (Calvete O et al. Br J Haematol, 2023 Apr;201:e5-e11). This amino acid position is highly conserved in available vertebrate species. In addition, the in silico prediction for this alteration is inconclusive. Based on the available evidence, the clinical significance of this variant remains unclear.

GeneDx
Classification: Uncertain significance. Last evaluated: 2024-12-17. Review status: criteria provided, single submitter. Criteria: GeneDx Variant Classification Process June 2021. Collection method: clinical testing. Allele origin: germline. Not counted in ClinVar's aggregate classification.
Comment: In silico analysis indicates that this missense variant does not alter protein structure/function; Has not been previously published as a pathogenic or benign germline variant to our knowledge; This variant is associated with the following publications: (PMID: 24764152, 37754227)

Blueprint Genetics
Classification: Likely benign. Last evaluated: 2024-08-30. Review status: criteria provided, single submitter. Criteria: ACMG Guidelines, 2015. Collection method: clinical testing. Allele origin: germline. Not counted in ClinVar's aggregate classification.

Genomic Medicine Center of Excellence, King Faisal Specialist Hospital and Research Centre
Classification: Uncertain significance for Hereditary thrombocytopenia and hematological cancer predisposition syndrome associated with RUNX1. Last evaluated: 2024-03-26. Review status: criteria provided, single submitter. Criteria: ACMG Guidelines, 2015. Collection method: clinical testing. Allele origin: germline. Not counted in ClinVar's aggregate classification.

Baylor Genetics
Classification: Uncertain significance for Acute myeloid leukemia. Last evaluated: 2023-09-19. Review status: criteria provided, single submitter. Criteria: ACMG Guidelines, 2015. Collection method: clinical testing. Allele origin: unknown. Not counted in ClinVar's aggregate classification.

Fulgent Genetics
Classification: Uncertain significance for Hereditary thrombocytopenia and hematological cancer predisposition syndrome associated with RUNX1; Acute myeloid leukemia. Last evaluated: 2022-05-24. Review status: criteria provided, single submitter. Criteria: ACMG Guidelines, 2015. Collection method: clinical testing. Allele origin: unknown. Not counted in ClinVar's aggregate classification.

Literature cited by the submitters: PubMed 36717968 (cited by Ambry Genetics).